The following is an entry in ClinVar:

ClinVar aggregate classification (germline): Uncertain significance (1 of 4 stars; one submission).

Conditions:
Glycogen storage disease, type IV (GSD4). Also called: AMYLOPECTINOSIS; ANDERSEN DISEASE; BRANCHER DEFICIENCY; CIRRHOSIS, FAMILIAL, WITH DEPOSITION OF ABNORMAL GLYCOGEN; Glycogen storage disease due to glycogen branching enzyme deficiency; GBE1 DEFICIENCY. Identifiers: Orphanet 367, MedGen C0017923, MONDO:0009292, OMIM 232500.
Glycogen storage disease IV, classic hepatic. Also called: GSD IV, CLASSIC HEPATIC. Identifiers: MedGen C1856301.

Allele frequency attached by ClinVar (database versions not stated): TOPMed below 0.00001; gnomAD 0.00001; gnomAD exomes 0.00001.
gnomAD v4.1: 10 of 1,613,080 alleles (0.00062%); highest among the groups gnomAD compares: Non-Finnish European, 0.00085%; no homozygotes.

Submission:

Labcorp Genetics (formerly Invitae), Labcorp
Classification: Uncertain significance for Glycogen storage disease, type IV; Glycogen storage disease IV, classic hepatic. Last evaluated: 2022-06-20. Review status: criteria provided, single submitter. Criteria: Invitae Variant Classification Sherloc (09022015). Collection method: clinical testing. Allele origin: germline.
Comment: In summary, the available evidence is currently insufficient to determine the role of this variant in disease. Therefore, it has been classified as a Variant of Uncertain Significance. Advanced modeling of protein sequence and biophysical properties (such as structural, functional, and spatial information, amino acid conservation, physicochemical variation, residue mobility, and thermodynamic stability) performed at Invitae indicates that this missense variant is not expected to disrupt GBE1 protein function. This variant has not been reported in the literature in individuals affected with GBE1-related conditions. This variant is present in population databases (no rsID available, gnomAD 0.0009%). This sequence change replaces aspartic acid, which is acidic and polar, with histidine, which is basic and polar, at codon 307 of the GBE1 protein (p.Asp307His).

NM_000158.4(GBE1):c.919G>C (p.Asp307His)

Gene: GBE1 (1,4-alpha-glucan branching enzyme 1; minus strand). Cytogenetic location: 3p12.2.
Variant type: single nucleotide variant.
Coding change: c.919G>C on transcript NM_000158.4 (MANE Select); coding-DNA position 919, G replaced by C.
Protein change: p.Asp307His; replaces aspartic acid 307 with histidine.
Molecular consequence: missense variant.
Genome position (GRCh38, 1-based): chr3:81,642,854, C>G on the plus strand (G>C on the coding strand, the complement: GBE1 is on the minus strand). VCF-style: chr3-81642854-C-G. GRCh37 (hg19) VCF-style: chr3-81692005-C-G.
Other names: short protein forms D307H.
Identifiers: ClinVar variation 2417423 (VCV002417423.4), dbSNP rs878918615, ClinGen allele CA78291835.